The following is an entry in ClinVar:

NM_033380.3(COL4A5):c.82G>A (p.Ala28Thr)

Gene: COL4A5 (collagen type IV alpha 5 chain; plus strand). Cytogenetic location: Xq22.3.
Variant type: single nucleotide variant.
Coding change: c.82G>A on transcript NM_033380.3 (MANE Select); coding-DNA position 82, G replaced by A.
Protein change: p.Ala28Thr; replaces alanine 28 with threonine.
Molecular consequence: missense variant.
Genome position (GRCh38, 1-based): chrX:108,539,746, G>A. VCF-style: chrX-108539746-G-A. GRCh37 (hg19) VCF-style: chrX-107782976-G-A.
Other names: c.82G>A, p.Ala28Thr (NM_000495.5); short protein forms A28T.
Identifiers: ClinVar variation 1305464 (VCV001305464.2), dbSNP rs869025333, ClinGen allele CA413908399.

ClinVar aggregate classification (germline): Uncertain significance (1 of 4 stars; one submission).

Submission:

GeneDx
Classification: Uncertain significance. Last evaluated: 2019-05-06. Review status: criteria provided, single submitter. Criteria: GeneDx Variant Classification Process June 2021. Collection method: clinical testing. Allele origin: germline. Affected: yes.
Comment: Has not been previously published as pathogenic or benign to our knowledge; Not observed in large population cohorts (Lek et al., 2016); In silico analysis, which includes protein predictors and evolutionary conservation, supports that this variant does not alter protein structure/function